The following is an entry in ClinVar:

ClinVar aggregate classification (germline): Uncertain significance (1 of 4 stars; one submission).

Allele frequency attached by ClinVar (database versions not stated): gnomAD exomes below 0.00001.
gnomAD v4.1: 1 of 1,595,158 alleles (0.000063%); highest among the groups gnomAD compares: Non-Finnish European, 0.000085%; no homozygotes.

Submission:

Ambry Genetics
Classification: Uncertain significance. Last evaluated: 2021-10-26. Review status: criteria provided, single submitter. Criteria: Ambry Variant Classification Scheme 2023. Collection method: clinical testing. Allele origin: germline.
Comment: The p.G198R variant (also known as c.592G>C), located in coding exon 1 of the TERF2IP gene, results from a G to C substitution at nucleotide position 592. The glycine at codon 198 is replaced by arginine, an amino acid with dissimilar properties. This amino acid position is conserved. In addition, this alteration is predicted to be tolerated by in silico analysis. Since supporting evidence is limited at this time, the clinical significance of this alteration remains unclear.

NM_018975.4(TERF2IP):c.592G>C (p.Gly198Arg)

Gene: TERF2IP (TERF2 interacting protein; plus strand). Cytogenetic location: 16q23.1.
Variant type: single nucleotide variant.
Coding change: c.592G>C on transcript NM_018975.4 (MANE Select); coding-DNA position 592, G replaced by C.
Protein change: p.Gly198Arg; replaces glycine 198 with arginine.
Molecular consequence: missense variant. On other transcripts: non-coding transcript variant (1).
Genome position (GRCh38, 1-based): chr16:75,648,474, G>C. VCF-style: chr16-75648474-G-C. GRCh37 (hg19) VCF-style: chr16-75682372-G-C.
Other names: short protein forms G198R.
Identifiers: ClinVar variation 1750559 (VCV001750559.2), dbSNP rs2507075048, ClinGen allele CA396818239.